The following is an entry in ClinVar:

NM_001395413.1(POR):c.1639C>T (p.Arg547Trp)

Gene: POR (cytochrome p450 oxidoreductase; plus strand). Cytogenetic location: 7q11.23.
Variant type: single nucleotide variant.
Coding change: c.1639C>T on transcript NM_001395413.1 (MANE Select); coding-DNA position 1639, C replaced by T.
Protein change: p.Arg547Trp; replaces arginine 547 with tryptophan.
Molecular consequence: missense variant.
Genome position (GRCh38, 1-based): chr7:75,985,828, C>T. VCF-style: chr7-75985828-C-T. GRCh37 (hg19) VCF-style: chr7-75615146-C-T.
Other names: NM_000941.3:c.1648C>T; NM_001395413.1:c.1639C>T; p.Arg550Trp; c.1639C>T, p.Arg547Trp (NM_001367562.3, NM_001382657.2, NM_001382658.3 and 1 more transcripts); c.1693C>T, p.Arg565Trp (NM_001382655.3); c.1489C>T, p.Arg497Trp (NM_001382662.3); short protein forms R497W, R547W, R565W.
Identifiers: ClinVar variation 4880497 (VCV004880497.1), dbSNP rs782551496.

ClinVar aggregate classification (germline): Conflicting classifications of pathogenicity. Review status: criteria provided, conflicting classifications (1 of 4 stars). 2 submissions from 2 submitters: Likely pathogenic (1); Uncertain significance (1). Last evaluated 2026-07-28.

Conditions:
Congenital adrenal hyperplasia due to cytochrome P450 oxidoreductase deficiency. Also called: DISORDERED STEROIDOGENESIS DUE TO POR DEFICIENCY. Identifiers: Orphanet 95699, MedGen C1860042, MONDO:0013310, OMIM 613571.

gnomAD v4.1: 91 of 1,552,448 alleles (0.0059%); highest among the groups gnomAD compares: East Asian, 0.014%; no homozygotes.

Submissions (2):

Division of Laboratory Medicine and Clinical Genetics, Chiba University Hospital
Classification: Likely pathogenic for Congenital adrenal hyperplasia due to cytochrome P450 oxidoreductase deficiency. Last evaluated: 2026-07-28. Review status: criteria provided, single submitter. Criteria: ACMG Guidelines, 2015. Collection method: research. Allele origin: germline. Inheritance: Autosomal recessive inheritance. Affected: yes and no. Observed: 2 variant alleles, 1 heterozygote, 1 compound heterozygote.
Comment: Likely pathogenic under the ACMG/AMP 2015 criteria (PMID:25741868). PS3: POR-R550W caused severe loss of CYP19A1, CYP17A1 and CYP21A2 activities in vitro (PMID:32060549). PM2: very rare in population databases (ToMMo 61KJPN 0.000041; gnomAD v4 genomes 0.000013). It was inferred to be in cis with p.Gly413Ser on the paternal allele; paternal DNA was unavailable. Variant designations follow the legacy transcript NM_000941.3 (replaced by NM_001395413.1), as reported by the testing laboratory and used in the PORD literature; the variant is defined here by GRCh38 coordinates.

Blueprint Genetics
Classification: Uncertain significance. Last evaluated: 2023-03-28. Review status: criteria provided, single submitter. Criteria: ACMG Guidelines, 2015. Collection method: clinical testing. Allele origin: germline.

Literature cited by the submitters: PubMed 32060549 (cited by Division of Laboratory Medicine and Clinical Genetics, Chiba University Hospital); PubMed 42729616 (cited by Division of Laboratory Medicine and Clinical Genetics, Chiba University Hospital).